The following is an entry in ClinVar:

ClinVar aggregate classification (germline): Uncertain significance. Review status: criteria provided, multiple submitters, no conflicts (2 of 4 stars). 3 submissions from 3 submitters: Uncertain significance (3). Last evaluated 2024-07-05.

Conditions:
Haddad syndrome (OHD). Also called: Ondine-Hirschsprung disease. Identifiers: Orphanet 99803, MedGen C1859049, MONDO:0020493.
Neuroblastoma, susceptibility to, 2. Identifiers: Orphanet 635, MedGen C2751682, MONDO:0700041, OMIM 613013.
Hereditary cancer-predisposing syndrome. Also called: Tumor predisposition; Hereditary neoplastic syndrome; Neoplastic Syndromes, Hereditary; Hereditary Cancer Syndrome. Identifiers: Orphanet 140162, MedGen C0027672, MeSH D009386, MONDO:0015356.

Allele frequency attached by ClinVar (database versions not stated): gnomAD exomes 0.00001.
gnomAD v4.1: 15 of 1,613,644 alleles (0.00093%); highest among the groups gnomAD compares: East Asian, 0.033%; no homozygotes.

Submissions (3):

Ambry Genetics
Classification: Uncertain significance for Hereditary cancer-predisposing syndrome. Last evaluated: 2024-07-05. Review status: criteria provided, single submitter. Criteria: Ambry Variant Classification Scheme 2023. Collection method: clinical testing. Allele origin: germline.
Comment: The p.S184G variant (also known as c.550A>G), located in coding exon 3 of the PHOX2B gene, results from an A to G substitution at nucleotide position 550. The serine at codon 184 is replaced by glycine, an amino acid with similar properties. This amino acid position is well conserved in available vertebrate species. In addition, this alteration is predicted to be tolerated by in silico analysis. Since supporting evidence is limited at this time, the clinical significance of this alteration remains unclear.

Baylor Genetics
Classification: Uncertain significance for Neuroblastoma, susceptibility to, 2. Last evaluated: 2023-12-19. Review status: criteria provided, single submitter. Criteria: ACMG Guidelines, 2015. Collection method: clinical testing. Allele origin: unknown.

Labcorp Genetics (formerly Invitae), Labcorp
Classification: Uncertain significance for Haddad syndrome. Last evaluated: 2023-10-17. Review status: criteria provided, single submitter. Criteria: Invitae Variant Classification Sherloc (09022015). Collection method: clinical testing. Allele origin: germline.
Comment: This sequence change replaces serine, which is neutral and polar, with glycine, which is neutral and non-polar, at codon 184 of the PHOX2B protein (p.Ser184Gly). This variant is not present in population databases (gnomAD no frequency). This variant has not been reported in the literature in individuals affected with PHOX2B-related conditions. ClinVar contains an entry for this variant (Variation ID: 860941). Advanced modeling of protein sequence and biophysical properties (such as structural, functional, and spatial information, amino acid conservation, physicochemical variation, residue mobility, and thermodynamic stability) performed at Invitae indicates that this missense variant is not expected to disrupt PHOX2B protein function. In summary, the available evidence is currently insufficient to determine the role of this variant in disease. Therefore, it has been classified as a Variant of Uncertain Significance.

NM_003924.4(PHOX2B):c.550A>G (p.Ser184Gly)

Gene: PHOX2B (paired like homeobox 2B; minus strand). Cytogenetic location: 4p13.
Variant type: single nucleotide variant.
Coding change: c.550A>G on transcript NM_003924.4 (MANE Select); coding-DNA position 550, A replaced by G.
Protein change: p.Ser184Gly; replaces serine 184 with glycine.
Molecular consequence: missense variant.
Genome position (GRCh38, 1-based): chr4:41,746,202, T>C on the plus strand (A>G on the coding strand, the complement: PHOX2B is on the minus strand). VCF-style: chr4-41746202-T-C. GRCh37 (hg19) VCF-style: chr4-41748219-T-C.
Other names: short protein forms S184G.
Identifiers: ClinVar variation 860941 (VCV000860941.14), dbSNP rs1733894415, ClinGen allele CA356738171.